The following is an entry in ClinVar:

NM_001323289.2(CDKL5):c.2258_2259del (p.Gln753fs)

Gene: CDKL5 (cyclin dependent kinase like 5; plus strand). Cytogenetic location: Xp22.13.
Variant type: Deletion.
Coding change: c.2258_2259del on transcript NM_001323289.2 (MANE Select); coding-DNA positions 2258 to 2259, 2 bases deleted (AA; older notation c.2258_2259delAA).
Protein change: p.Gln753fs; shifts the reading frame from glutamine 753.
Molecular consequence: frameshift variant.
Genome position (GRCh38, 1-based): chrX:18,613,257-18,613,258, AA deleted. VCF-style (leftmost placement, unchanged base first): chrX-18613256-CAA-C. GRCh37 (hg19) VCF-style: chrX-18631376-CAA-C.
Other names: NM_003159.3:c.2258_2259del; c.2258_2259del, p.Gln753fs (NM_001037343.2, NM_003159.3); short protein forms Q753fs.
Identifiers: ClinVar variation 3602058 (VCV003602058.1).

ClinVar aggregate classification (germline): Likely pathogenic (1 of 4 stars; one submission).

Conditions:
CDKL5 disorder. Identifiers: MedGen CN296942, MONDO:0100039.

Submission:

Centre for Population Genomics, CPG
Classification: Likely pathogenic for CDKL5 disorder. Last evaluated: 2024-12-16. Review status: criteria provided, single submitter. Criteria: McKnight et al. (Hum Mutat. 2022). Collection method: curation. Allele origin: germline. Inheritance: X-linked inheritance.
Comment: This variant has been collected from RettBASE and curated to current modified ACMG/AMP criteria. Based on the classification scheme defined by the ClinGen Rett/Angelman-like Expert Panel for Rett/AS-like Disorders Specifications to the ACMG/AMP Variant Interpretation Guidelines VCEP 3.0, this variant is classified as likely pathogenic. At least the following criteria are met: Predicted to result in loss of function, and LOF is a known mechanism of disease (PVS1). This variant is absent from gnomAD (PM2_Supporting). Has been observed in at least 1 individual with phenotypes consistent with CDKL5 disorder (PMID: 25657822).